The following is an entry in ClinVar:

ClinVar aggregate classification (germline): Uncertain significance. Review status: criteria provided, multiple submitters, no conflicts (2 of 4 stars). 2 submissions from 2 submitters: Uncertain significance (2). Last evaluated 2024-02-01.

Conditions:
Lowe syndrome (OCRL). Also called: LOWE OCULOCEREBRORENAL SYNDROME; PHOSPHATIDYLINOSITOL 4,5-BISPHOSPHATE 5-PHOSPHATASE DEFICIENCY; Oculocerebrorenal Syndrome. Identifiers: Orphanet 534, MedGen C0028860, MONDO:0010645, OMIM 309000.
Dent disease type 2. Identifiers: Orphanet 1652, Orphanet 93623, MedGen C1845167, MONDO:0010359, OMIM 300555.

Submissions (2):

Fulgent Genetics
Classification: Uncertain significance for Dent disease type 2; Lowe syndrome. Last evaluated: 2024-02-01. Review status: criteria provided, single submitter. Criteria: ACMG Guidelines, 2015. Collection method: clinical testing. Allele origin: germline.

Labcorp Genetics (formerly Invitae), Labcorp
Classification: Uncertain significance for Lowe syndrome. Last evaluated: 2023-12-11. Review status: criteria provided, single submitter. Criteria: Invitae Variant Classification Sherloc (09022015). Collection method: clinical testing. Allele origin: germline.
Comment: This sequence change replaces glutamic acid, which is acidic and polar, with lysine, which is basic and polar, at codon 628 of the OCRL protein (p.Glu628Lys). This variant is not present in population databases (gnomAD no frequency). This variant has not been reported in the literature in individuals affected with OCRL-related conditions. An algorithm developed to predict the effect of missense changes on protein structure and function (PolyPhen-2) suggests that this variant is likely to be disruptive. In summary, the available evidence is currently insufficient to determine the role of this variant in disease. Therefore, it has been classified as a Variant of Uncertain Significance.

NM_000276.4(OCRL):c.1882G>A (p.Glu628Lys)

Gene: OCRL (OCRL inositol polyphosphate-5-phosphatase; plus strand). Cytogenetic location: Xq26.1.
Variant type: single nucleotide variant.
Coding change: c.1882G>A on transcript NM_000276.4 (MANE Select); coding-DNA position 1882, G replaced by A.
Protein change: p.Glu628Lys; replaces glutamic acid 628 with lysine.
Molecular consequence: missense variant.
Genome position (GRCh38, 1-based): chrX:129,576,319, G>A. VCF-style: chrX-129576319-G-A. GRCh37 (hg19) VCF-style: chrX-128710296-G-A.
Other names: c.1885G>A, p.Glu629Lys (NM_001318784.2); c.1882G>A, p.Glu628Lys (NM_001587.4); short protein forms E628K, E629K.
Identifiers: ClinVar variation 2744066 (VCV002744066.4), dbSNP rs2521921685, ClinGen allele CA414619931.
Genomic context (GRCh38, chrX:129,576,319, plus strand): 5'-TTTTTTGCTTTCCCACTGGAGGTTTTCCTATTACCATGTATCATCTCTTACATTTCAGAT[G>A]AGACAGTGGACATTTCTCTTGATGTGTATGTCAGCAAAGACTCTGTAACCATCCTGAACT-3'
Protein context (NP_000267.2, residues 618-638): EPFEGYLEPN[Glu628Lys]TVDISLDVYV